The following is an entry in ClinVar:

NM_001927.4(DES):c.709G>A (p.Ala237Thr)

Gene: DES (desmin; plus strand). Cytogenetic location: 2q35.
Variant type: single nucleotide variant.
Coding change: c.709G>A on transcript NM_001927.4 (MANE Select); coding-DNA position 709, G replaced by A.
Protein change: p.Ala237Thr; replaces alanine 237 with threonine.
Molecular consequence: missense variant.
Genome position (GRCh38, 1-based): chr2:219,420,320, G>A. VCF-style: chr2-219420320-G-A. GRCh37 (hg19) VCF-style: chr2-220285042-G-A.
Other names: short protein forms A237T.
Identifiers: ClinVar variation 44267 (VCV000044267.32), dbSNP rs397516697, ClinGen allele CA133869.

ClinVar aggregate classification (germline): Uncertain significance. Review status: criteria provided, multiple submitters, no conflicts (2 of 4 stars). 8 submissions from 8 submitters: Uncertain significance (8). Last evaluated 2025-12-21.

Conditions:
Cardiovascular phenotype. Identifiers: MedGen CN230736.
Dilated cardiomyopathy 1I (CMD1I). Identifiers: Orphanet 154, MedGen C1858154, MONDO:0011482, OMIM 604765.
Desmin-related myofibrillar myopathy (MFM1). Also called: MYOFIBRILLAR MYOPATHY WITH ARRHYTHMOGENIC RIGHT VENTRICULAR CARDIOMYOPATHY; DESMIN-RELATED MYOPATHY WITH ARRHYTHMOGENIC RIGHT VENTRICULAR CARDIOMYOPATHY; Desminopathy; Desmin related myopathy (former name); Desmin storage myopathy (former name); Myofibrillar myopathy 1. Identifiers: Orphanet 363543, Orphanet 98909, MedGen C1832370, MONDO:0011076, OMIM 601419.
Neurogenic scapuloperoneal syndrome, Kaeser type (SCPNK). Also called: KAESER SYNDROME. Identifiers: Orphanet 85146, MedGen C1867005, MONDO:0008407, OMIM 181400.

Allele frequency attached by ClinVar (database versions not stated): gnomAD exomes 0.00002; TOPMed 0.00004; ExAC 0.00007.
gnomAD v4.1: 48 of 1,614,014 alleles (0.003%); highest among the groups gnomAD compares: Non-Finnish European, 0.0025%; no homozygotes.

Submissions (8):

Labcorp Genetics (formerly Invitae), Labcorp
Classification: Uncertain significance for Desmin-related myofibrillar myopathy. Last evaluated: 2025-12-21. Review status: criteria provided, single submitter. Criteria: Invitae Variant Classification Sherloc (09022015). Collection method: clinical testing. Allele origin: germline.
Comment: This sequence change replaces alanine, which is neutral and non-polar, with threonine, which is neutral and polar, at codon 237 of the DES protein (p.Ala237Thr). This variant is present in population databases (rs397516697, gnomAD 0.02%). This variant has not been reported in the literature in individuals affected with DES-related conditions. ClinVar contains an entry for this variant (Variation ID: 44267). Invitae Evidence Modeling of protein sequence and biophysical properties (such as structural, functional, and spatial information, amino acid conservation, physicochemical variation, residue mobility, and thermodynamic stability) has been performed for this missense variant. However, the output from this modeling did not meet the statistical confidence thresholds required to predict the impact of this variant on DES protein function. In summary, the available evidence is currently insufficient to determine the role of this variant in disease. Therefore, it has been classified as a Variant of Uncertain Significance.

Ambry Genetics
Classification: Uncertain significance for Cardiovascular phenotype. Last evaluated: 2022-05-27. Review status: criteria provided, single submitter. Criteria: Ambry Variant Classification Scheme 2023. Collection method: clinical testing. Allele origin: germline.

Fulgent Genetics
Classification: Uncertain significance for Neurogenic scapuloperoneal syndrome, Kaeser type; Desmin-related myofibrillar myopathy; Dilated cardiomyopathy 1I. Last evaluated: 2021-11-09. Review status: criteria provided, single submitter. Criteria: ACMG Guidelines, 2015. Collection method: clinical testing. Allele origin: unknown.

Revvity Omics, Revvity
Classification: Uncertain significance. Last evaluated: 2020-09-02. Review status: criteria provided, single submitter. Criteria: ACMG Guidelines, 2015. Collection method: clinical testing. Allele origin: germline.

ARUP Laboratories, Molecular Genetics and Genomics, ARUP Laboratories
Classification: Uncertain significance. Last evaluated: 2020-02-26. Review status: criteria provided, single submitter. Criteria: ARUP Molecular Germline Variant Investigation Process. Collection method: clinical testing. Allele origin: germline.
Comment: The DES c.709G>A; p.Ala237Thr variant (rs397516697), to our knowledge, is not reported in the medical literature but is reported in ClinVar (Variation ID: 44267). This variant is found in the general population with an overall allele frequency of 0.01% (19/282782 alleles) in the Genome Aggregation Database. The alanine at codon 237 is highly conserved, but computational analyses (SIFT, PolyPhen-2) predict that this variant is tolerated. However, due to limited information, the clinical significance of the p.Ala237Thr variant is uncertain at this time.

GeneDx
Classification: Uncertain significance. Last evaluated: 2019-01-18. Review status: criteria provided, single submitter. Criteria: GeneDx Variant Classification Process June 2021. Collection method: clinical testing. Allele origin: germline. Affected: yes.
Comment: In silico analysis, which includes protein predictors and evolutionary conservation, supports that this variant does not alter protein structure/function; Has not been previously published as pathogenic or benign to our knowledge

Eurofins Ntd Llc (ga)
Classification: Uncertain significance. Last evaluated: 2017-02-07. Review status: criteria provided, single submitter. Criteria: EGL Classification Definitions 2015. Collection method: clinical testing. Allele origin: germline. Observed: 1 variant allele, 1 heterozygote.

Laboratory for Molecular Medicine, Mass General Brigham Personalized Medicine
Classification: Uncertain significance. Last evaluated: 2010-11-02. Review status: criteria provided, single submitter. Criteria: LMM Criteria. Collection method: clinical testing. Allele origin: germline. Observed: 2 variant alleles.
Comment: The Ala237Thr variant has not been reported in the literature nor identified in any other families tested by our laboratory. Alanine (Ala) at position 237 is hi ghly conserved across several evolutionary distant species, increasing the likel ihood that the change is pathogenic. However, in the absence of additional suppo rting data, the clinical significance of this variant cannot be determined at th is time.